The following is an entry in ClinVar:

NM_025074.7(FRAS1):c.9531T>C (p.His3177=)

Gene: FRAS1 (Fraser extracellular matrix complex subunit 1; plus strand). Cytogenetic location: 4q21.21.
Variant type: single nucleotide variant.
Coding change: c.9531T>C on transcript NM_025074.7 (MANE Select); coding-DNA position 9531, T replaced by C.
Protein change: p.His3177=; no amino-acid change (histidine 3177 retained).
Molecular consequence: synonymous variant.
Genome position (GRCh38, 1-based): chr4:78,508,757, T>C. VCF-style: chr4-78508757-T-C. GRCh37 (hg19) VCF-style: chr4-79429911-T-C.
Other names: c.9531T>C (NM_025074.6).
Identifiers: ClinVar variation 2974407 (VCV002974407.4), dbSNP rs773165523, ClinGen allele CA2978691.

ClinVar aggregate classification (germline): Likely benign. Review status: criteria provided, multiple submitters, no conflicts (2 of 4 stars). 2 submissions from 2 submitters: Likely benign (2). Last evaluated 2026-07-22.

Conditions:
FRAS1-related disorder. Also called: FRAS1-related condition.

Allele frequency attached by ClinVar (database versions not stated): TOPMed below 0.00001; gnomAD 0.00001; gnomAD exomes 0.00001; ExAC 0.00002.
gnomAD v4.1: 16 of 1,613,692 alleles (0.00099%); highest among the groups gnomAD compares: Admixed American, 0.005%; no homozygotes.

Submissions (2):

PreventionGenetics, part of Exact Sciences
Classification: Likely benign for FRAS1-related condition. Last evaluated: 2026-07-22. Review status: criteria provided, single submitter. Criteria: ACMG Guidelines, 2015. Collection method: clinical testing. Allele origin: germline.
Comment: This variant is classified as likely benign based on ACMG/AMP sequence variant interpretation guidelines (Richards et al. 2015 PMID: 25741868, with internal and published modifications).

Labcorp Genetics (formerly Invitae), Labcorp
Classification: Likely benign. Last evaluated: 2024-01-08. Review status: criteria provided, single submitter. Criteria: Invitae Variant Classification Sherloc (09022015). Collection method: clinical testing. Allele origin: germline.